The following is an entry in ClinVar:

NM_007192.4(SUPT16H):c.2168A>T (p.His723Leu)

Gene: SUPT16H (SPT16 homolog, facilitates chromatin remodeling subunit; minus strand). Cytogenetic location: 14q11.2.
Variant type: single nucleotide variant.
Coding change: c.2168A>T on transcript NM_007192.4 (MANE Select); coding-DNA position 2168, A replaced by T.
Protein change: p.His723Leu; replaces histidine 723 with leucine.
Molecular consequence: missense variant.
Genome position (GRCh38, 1-based): chr14:21,360,422, T>A on the plus strand (A>T on the coding strand, the complement: SUPT16H is on the minus strand). VCF-style: chr14-21360422-T-A. GRCh37 (hg19) VCF-style: chr14-21828581-T-A.
Other names: short protein forms H723L.
Identifiers: ClinVar variation 3906716 (VCV003906716.1).

ClinVar aggregate classification (germline): Uncertain significance (1 of 4 stars; one submission).

Submission:

GeneDx
Classification: Uncertain significance. Last evaluated: 2024-12-17. Review status: criteria provided, single submitter. Criteria: GeneDx Variant Classification Process June 2021. Collection method: clinical testing. Allele origin: germline. Affected: yes.
Comment: Not observed at significant frequency in large population cohorts (gnomAD); In silico analysis supports that this missense variant has a deleterious effect on protein structure/function; Has not been previously published as pathogenic or benign to our knowledge